The following is an entry in ClinVar:

ClinVar aggregate classification (germline): Likely benign (1 of 4 stars; one submission).

gnomAD v4.1: 3 of 1,478,362 alleles (0.0002%); highest among the groups gnomAD compares: Non-Finnish European, 0.00027%; no homozygotes.

Submission:

CeGaT Center for Human Genetics Tuebingen
Classification: Likely benign. Last evaluated: 2025-08-01. Review status: criteria provided, single submitter. Criteria: CeGaT Center For Human Genetics Tuebingen Variant Classification Criteria Version 2. Collection method: clinical testing. Allele origin: germline. Affected: yes. Observed: 1 variant allele.
Comment: CACNA1A: BP4, BP7

NM_001127222.2(CACNA1A):c.7203C>T (p.Pro2401=)

Gene: CACNA1A (calcium voltage-gated channel subunit alpha1 A; minus strand). Cytogenetic location: 19p13.13.
Variant type: single nucleotide variant.
Coding change: c.7203C>T on transcript NM_001127222.2 (MANE Select); coding-DNA position 7203, C replaced by T.
Protein change: p.Pro2401=; no amino-acid change (proline 2401 retained).
Molecular consequence: synonymous variant. On other transcripts: 3 prime UTR variant (3).
Genome position (GRCh38, 1-based): chr19:13,207,631, G>A on the plus strand (C>T on the coding strand, the complement: CACNA1A is on the minus strand). VCF-style: chr19-13207631-G-A. GRCh37 (hg19) VCF-style: chr19-13318445-G-A.
Other names: c.*415C>T (NM_000068.4, NM_001127221.2, NM_001174080.2); c.7221C>T, p.Pro2407= (NM_023035.3).
Identifiers: ClinVar variation 1012930 (VCV001012930.38), dbSNP rs1218506473, ClinGen allele CA505784829.